The following is an entry in ClinVar:

ClinVar aggregate classification (germline): Likely benign. Review status: criteria provided, multiple submitters, no conflicts (2 of 4 stars). 2 submissions from 2 submitters: Likely benign (2). Last evaluated 2024-10-01.

Conditions:
Axenfeld-Rieger syndrome type 3 (RIEG3). Also called: AXENFELD-RIEGER ANOMALY WITH CARDIAC DEFECTS AND/OR SENSORINEURAL HEARING LOSS. Identifiers: Orphanet 782, MedGen C2678503, MONDO:0011233, OMIM 602482.

Allele frequency attached by ClinVar (database versions not stated): gnomAD 0.00001 and 0.00002; ExAC 0.00002; gnomAD exomes 0.00002; TOPMed 0.00003; ESP Exome Variant Server 0.00023.
gnomAD v4.1: 20 of 1,613,338 alleles (0.0012%); highest among the groups gnomAD compares: Non-Finnish European, 0.0017%; no homozygotes.

Submissions (2):

CeGaT Center for Human Genetics Tuebingen
Classification: Likely benign. Last evaluated: 2024-10-01. Review status: criteria provided, single submitter. Criteria: CeGaT Center For Human Genetics Tuebingen Variant Classification Criteria Version 2. Collection method: clinical testing. Allele origin: germline. Affected: yes. Observed: 1 variant allele.
Comment: FOXC1: BP4, BP7

Labcorp Genetics (formerly Invitae), Labcorp
Classification: Likely benign for Axenfeld-Rieger syndrome type 3. Last evaluated: 2022-10-10. Review status: criteria provided, single submitter. Criteria: Invitae Variant Classification Sherloc (09022015). Collection method: clinical testing. Allele origin: germline.

NM_001453.3(FOXC1):c.1575G>T (p.Gly525=)

Gene: FOXC1 (forkhead box C1; plus strand). Cytogenetic location: 6p25.3.
Variant type: single nucleotide variant.
Coding change: c.1575G>T on transcript NM_001453.3 (MANE Select); coding-DNA position 1575, G replaced by T.
Protein change: p.Gly525=; no amino-acid change (glycine 525 retained).
Molecular consequence: synonymous variant.
Genome position (GRCh38, 1-based): chr6:1,612,020, G>T. VCF-style: chr6-1612020-G-T. GRCh37 (hg19) VCF-style: chr6-1612255-G-T.
Identifiers: ClinVar variation 1648383 (VCV001648383.22), dbSNP rs139877144, ClinGen allele CA3614932.